The following is an entry in ClinVar:

ClinVar aggregate classification (germline): Conflicting classifications of pathogenicity. Review status: criteria provided, conflicting classifications (1 of 4 stars). 18 submissions from 18 submitters: Uncertain significance (1); Benign (8); Likely benign (4). 5 of the submissions do not count toward it. Last evaluated 2026-08-01.

Conditions:
Cardiovascular phenotype. Identifiers: MedGen CN230736.
Cardiomyopathy (CMYO). Also called: Cardiomyopathies. Identifiers: Orphanet 167848, MedGen C0878544, MONDO:0004994, HP:0001638. Inheritance: Various modes of inheritance.
Dilated cardiomyopathy 1DD (CMD1DD). Identifiers: Orphanet 154, MedGen C2750995, MONDO:0013168, OMIM 613172.

Allele frequency attached by ClinVar (database versions not stated): ExAC 0.00128; 1000 Genomes Project 30x 0.00156; TOPMed 0.00191; gnomAD 0.00112; 1000 Genomes Project 0.00100; gnomAD exomes 0.00160 and 0.00295.
gnomAD v4.1: 4,425 of 1,551,710 alleles (0.29%); highest among the groups gnomAD compares: Non-Finnish European, 0.36%; 12 homozygotes.

Submissions (18):

CeGaT Center for Human Genetics Tuebingen
Classification: Likely benign. Last evaluated: 2026-08-01. Review status: criteria provided, single submitter. Criteria: CeGaT Center For Human Genetics Tuebingen Variant Classification Criteria Version 2. Collection method: clinical testing. Allele origin: germline. Affected: yes. Observed: 16 variant alleles.
Comment: RBM20: BP4, BP7, BS2

Labcorp Genetics (formerly Invitae), Labcorp
Classification: Benign for Dilated cardiomyopathy 1DD. Last evaluated: 2026-02-03. Review status: criteria provided, single submitter. Criteria: Invitae Variant Classification Sherloc (09022015). Collection method: clinical testing. Allele origin: germline.

ARUP Laboratories, Molecular Genetics and Genomics, ARUP Laboratories
Classification: Benign for Dilated cardiomyopathy 1DD. Last evaluated: 2025-04-11. Review status: criteria provided, single submitter. Criteria: ARUP Molecular Germline Variant Investigation Process 2024. Collection method: clinical testing. Allele origin: germline.

Molecular Diagnostic Laboratory for Inherited Cardiovascular Disease, Montreal Heart Institute
Classification: Benign. Last evaluated: 2025-04-09. Review status: criteria provided, single submitter. Criteria: ACMG Guidelines, 2015. Collection method: clinical testing. Allele origin: germline. Affected: no.

Blueprint Genetics
Classification: Likely benign. Last evaluated: 2024-11-27. Review status: criteria provided, single submitter. Criteria: ACMG Guidelines, 2015. Collection method: clinical testing. Allele origin: germline.

Ambry Genetics
Classification: Likely benign for Cardiovascular phenotype. Last evaluated: 2023-05-19. Review status: criteria provided, single submitter. Criteria: Ambry Variant Classification Scheme 2023. Collection method: clinical testing. Allele origin: germline.

Mayo Clinic Laboratories, Mayo Clinic
Classification: Benign. Last evaluated: 2021-01-08. Review status: criteria provided, single submitter. Criteria: ACMG Guidelines, 2015. Collection method: clinical testing. Allele origin: germline. Observed: 9 variant alleles.

Women's Health and Genetics/Laboratory Corporation of America, LabCorp
Classification: Benign. Last evaluated: 2020-02-22. Review status: criteria provided, single submitter. Criteria: LabCorp Variant Classification Summary - May 2015. Collection method: clinical testing. Allele origin: germline.

Illumina Laboratory Services, Illumina
Classification: Uncertain significance for Dilated cardiomyopathy 1DD. Last evaluated: 2018-01-13. Review status: criteria provided, single submitter. Criteria: ICSL Variant Classification Criteria 13 December 2019. Collection method: clinical testing. Allele origin: germline.

Eurofins Ntd Llc (ga)
Classification: Likely benign. Last evaluated: 2016-12-15. Review status: criteria provided, single submitter. Criteria: EGL Classification Definitions 2015. Collection method: clinical testing. Allele origin: germline. Observed: 1 variant allele, 1 heterozygote.

CHEO Genetics Diagnostic Laboratory, Children's Hospital of Eastern Ontario
Classification: Benign for Cardiomyopathy. Last evaluated: 2016-04-27. Review status: criteria provided, single submitter. Criteria: ACMG Guidelines, 2015. Collection method: clinical testing. Allele origin: germline. Study: Canadian Open Genetics Repository.

Laboratory for Molecular Medicine, Mass General Brigham Personalized Medicine
Classification: Benign. Last evaluated: 2015-03-16. Review status: criteria provided, single submitter. Criteria: LMM Criteria. Collection method: clinical testing. Allele origin: germline. Observed: 5 variant alleles.
Comment: p.Pro664Pro in exon 9 of RBM20: This variant is not expected to have clinical si gnificance because it does not alter an amino acid residue, is not located withi n the splice consensus sequence, and has been identified in 0.3% (23/6862) of Eu ropean chromosomes by the Exome Aggregation Consortium (ExAC; dbSNP rs41292592).

GeneDx
Classification: Benign. Last evaluated: 2012-09-26. Review status: criteria provided, single submitter. Criteria: GeneDx Variant Classification (06012015). Collection method: clinical testing. Allele origin: germline. Affected: yes.
Comment: This variant is considered likely benign or benign based on one or more of the following criteria: it is a conservative change, it occurs at a poorly conserved position in the protein, it is predicted to be benign by multiple in silico algorithms, and/or has population frequency not consistent with disease.

Clinical Genetics DNA and cytogenetics Diagnostics Lab, Erasmus MC, Erasmus Medical Center
Classification: Likely benign. Review status: no assertion criteria provided. Collection method: clinical testing. Allele origin: germline. Affected: yes. Study: VKGL Data-share Consensus. Not counted in ClinVar's aggregate classification.

Clinical Genetics, Academic Medical Center
Classification: Benign. Review status: no assertion criteria provided. Collection method: clinical testing. Allele origin: germline. Affected: yes. Study: VKGL Data-share Consensus. Not counted in ClinVar's aggregate classification.

Diagnostic Laboratory, Department of Genetics, University Medical Center Groningen
Classification: Likely benign for Dilated cardiomyopathy 1DD. Review status: no assertion criteria provided. Collection method: clinical testing. Allele origin: germline. Affected: yes. Study: VKGL Data-share Consensus. Not counted in ClinVar's aggregate classification.

Genome Diagnostics Laboratory, University Medical Center Utrecht
Classification: Likely benign. Review status: no assertion criteria provided. Collection method: clinical testing. Allele origin: germline. Affected: yes. Study: VKGL Data-share Consensus. Not counted in ClinVar's aggregate classification.

Joint Genome Diagnostic Labs from Nijmegen and Maastricht, Radboudumc and MUMC+
Classification: Benign. Review status: no assertion criteria provided. Collection method: clinical testing. Allele origin: germline. Affected: yes. Study: VKGL Data-share Consensus. Not counted in ClinVar's aggregate classification.

NM_001134363.3(RBM20):c.1992C>T (p.Pro664=)

Gene: RBM20 (RNA binding motif protein 20; plus strand). Cytogenetic location: 10q25.2.
Variant type: single nucleotide variant.
Coding change: c.1992C>T on transcript NM_001134363.3 (MANE Select); coding-DNA position 1992, C replaced by T.
Protein change: p.Pro664=; no amino-acid change (proline 664 retained).
Molecular consequence: synonymous variant.
Genome position (GRCh38, 1-based): chr10:110,812,389, C>T. VCF-style: chr10-110812389-C-T. GRCh37 (hg19) VCF-style: chr10-112572147-C-T.
Other names: p.P664P:CCC>CCT; p.Pro664=.
Identifiers: ClinVar variation 43983 (VCV000043983.74), dbSNP rs41292592, ClinGen allele CA133295.